The following is an entry in ClinVar:

ClinVar aggregate classification (germline): Likely pathogenic (1 of 4 stars; one submission).

Conditions:
LAMA2-related muscular dystrophy (LAMA2-RD). Also called: Laminin alpha 2-related dystrophy. Identifiers: MedGen C5679788, MONDO:0100228.

Submission:

Myriad Genetics, Inc.
Classification: Likely pathogenic for LAMA2-related muscular dystrophy. Last evaluated: 2019-11-21. Review status: criteria provided, single submitter. Criteria: Myriad Autosomal Dominant, Autosomal Recessive and X-Linked Classification Criteria (2023). Collection method: clinical testing. Allele origin: unknown.
Comment: NM_000426.3(LAMA2):c.3454A>T(K1152*) is expected to be pathogenic in the context of LAMA2-related muscular dystrophy. This variant is predicted to lead to an abnormal or absent protein product due to the creation of a premature termination codon in LAMA2, a gene where loss-of-function variants are known to be pathogenic. Please note: this variant was assessed in the context of healthy population screening.

NM_000426.4(LAMA2):c.3454A>T (p.Lys1152Ter)

Gene: LAMA2 (laminin subunit alpha 2; plus strand). Cytogenetic location: 6q22.33.
Variant type: single nucleotide variant.
Coding change: c.3454A>T on transcript NM_000426.4 (MANE Select); coding-DNA position 3454, A replaced by T.
Protein change: p.Lys1152Ter; replaces lysine 1152 with a stop codon.
Molecular consequence: nonsense.
Genome position (GRCh38, 1-based): chr6:129,314,697, A>T. VCF-style: chr6-129314697-A-T. GRCh37 (hg19) VCF-style: chr6-129635842-A-T.
Other names: c.3454A>T, p.Lys1152Ter (NM_001079823.2); short protein forms K1152*.
Identifiers: ClinVar variation 983920 (VCV000983920.4), dbSNP rs1774465781, ClinGen allele CA365612262.